The following is an entry in ClinVar:

NM_006767.4(LZTR1):c.390G>A (p.Met130Ile)

Gene: LZTR1 (leucine zipper like post translational regulator 1; plus strand). Cytogenetic location: 22q11.21.
Variant type: single nucleotide variant.
Coding change: c.390G>A on transcript NM_006767.4 (MANE Select); coding-DNA position 390, G replaced by A.
Protein change: p.Met130Ile; replaces methionine 130 with isoleucine.
Molecular consequence: missense variant.
Genome position (GRCh38, 1-based): chr22:20,987,573, G>A. VCF-style: chr22-20987573-G-A. GRCh37 (hg19) VCF-style: chr22-21341862-G-A.
Other names: short protein forms M130I.
Identifiers: ClinVar variation 3238277 (VCV003238277.2), dbSNP rs2518612575.
Genomic context (GRCh38, chr22:20,987,573, plus strand): 5'-CACTGGGACCCCACCGGCCCCCCGTTACCACCACTCGGCCGTCGTCTATGGGAGCAGCAT[G>A]TTTGTCTTTGGTAAGCAGCCTCTTGCCTCCCAGGGGCTGTGTCGCCCCGAGGCCCACAGA-3'
Protein context (NP_006758.2, residues 120-140): HHSAVVYGSS[Met130Ile]FVFGGYTGDI

ClinVar aggregate classification (germline): Uncertain significance. Review status: criteria provided, multiple submitters, no conflicts (2 of 4 stars). 2 submissions from 2 submitters: Uncertain significance (2). Last evaluated 2025-10-26.

Conditions:
Hereditary cancer-predisposing syndrome. Also called: Neoplastic Syndromes, Hereditary; Tumor predisposition; Hereditary neoplastic syndrome; Hereditary Cancer Syndrome. Identifiers: Orphanet 140162, MedGen C0027672, MeSH D009386, MONDO:0015356.
Cardiovascular phenotype. Identifiers: MedGen CN230736.

Submissions (2):

Labcorp Genetics (formerly Invitae), Labcorp
Classification: Uncertain significance. Last evaluated: 2025-10-26. Review status: criteria provided, single submitter. Criteria: Invitae Variant Classification Sherloc (09022015). Collection method: clinical testing. Allele origin: germline.
Comment: This sequence change replaces methionine, which is neutral and non-polar, with isoleucine, which is neutral and non-polar, at codon 130 of the LZTR1 protein (p.Met130Ile). This variant is not present in population databases (gnomAD no frequency). This variant has not been reported in the literature in individuals affected with LZTR1-related conditions. ClinVar contains an entry for this variant (Variation ID: 3238277). Invitae Evidence Modeling of protein sequence and biophysical properties (such as structural, functional, and spatial information, amino acid conservation, physicochemical variation, residue mobility, and thermodynamic stability) indicates that this missense variant is not expected to disrupt LZTR1 protein function with a negative predictive value of 80%. In summary, the available evidence is currently insufficient to determine the role of this variant in disease. Therefore, it has been classified as a Variant of Uncertain Significance.

Ambry Genetics
Classification: Uncertain significance for Cardiovascular phenotype; Hereditary cancer-predisposing syndrome. Last evaluated: 2024-02-14. Review status: criteria provided, single submitter. Criteria: Ambry Variant Classification Scheme 2023. Collection method: clinical testing. Allele origin: germline.
Comment: The p.M130I variant (also known as c.390G>A), located in coding exon 4 of the LZTR1 gene, results from a G to A substitution at nucleotide position 390. The methionine at codon 130 is replaced by isoleucine, an amino acid with highly similar properties. This amino acid position is highly conserved in available vertebrate species. In addition, the in silico prediction for this alteration is inconclusive. Based on the available evidence, the clinical significance of this alteration remains unclear.